The following is an entry in ClinVar:

NM_000219.6(KCNE1):c.123G>C (p.Lys41Asn)

Gene: KCNE1 (potassium voltage-gated channel subfamily E regulatory subunit 1; minus strand). Cytogenetic location: 21q22.12.
Variant type: single nucleotide variant.
Coding change: c.123G>C on transcript NM_000219.6 (MANE Select); coding-DNA position 123, G replaced by C.
Protein change: p.Lys41Asn; replaces lysine 41 with asparagine.
Molecular consequence: missense variant.
Genome position (GRCh38, 1-based): chr21:34,449,512, C>G on the plus strand (G>C on the coding strand, the complement: KCNE1 is on the minus strand). VCF-style: chr21-34449512-C-G. GRCh37 (hg19) VCF-style: chr21-35821810-C-G.
Other names: c.123G>C, p.Lys41Asn (NM_001127668.4, NM_001127669.4, NM_001127670.4 and 4 more transcripts); short protein forms K41N.
Identifiers: ClinVar variation 237229 (VCV000237229.14), dbSNP rs763754260, ClinGen allele CA10583883.

ClinVar aggregate classification (germline): Uncertain significance. Review status: criteria provided, multiple submitters, no conflicts (2 of 4 stars). 2 submissions from 2 submitters: Uncertain significance (2). Last evaluated 2016-10-27.

Conditions:
Cardiovascular phenotype. Identifiers: MedGen CN230736.
Long QT syndrome (LQTS). Identifiers: MedGen C0023976, MeSH D008133, MONDO:0002442. Disease mechanism: loss of function. Inheritance: Various modes of inheritance.

Submissions (3):

Ambry Genetics
Classification: Uncertain significance for Cardiovascular phenotype. Last evaluated: 2016-10-27. Review status: criteria provided, single submitter. Criteria: Ambry Variant Classification Scheme 2023. Collection method: clinical testing. Allele origin: germline.
Comment: The p.K41N variant (also known as c.123G>C), located in coding exon 1 of the KCNE1 gene, results from a G to C substitution at nucleotide position 123. The lysine at codon 41 is replaced by asparagine, an amino acid with similar properties. Based on data from ExAC, the C allele has an overall frequency less than 0.01% (1/106190), having been observed in 0.006% (1/164080) of South Asian alleles. This amino acid position is poorly conserved in available vertebrate species. In addition, this alteration is predicted to be tolerated by in silico analysis. Since supporting evidence is limited at this time, the clinical significance of this alteration remains unclear.

Labcorp Genetics (formerly Invitae), Labcorp
Classification: Uncertain significance for Long QT syndrome. Last evaluated: 2016-03-14. Review status: criteria provided, single submitter. Criteria: Invitae Variant Classification Sherloc (09022015). Collection method: clinical testing. Allele origin: germline.
Comment: This variant is present in population databases (rs763754260, ExAC 0.006%) but has not been reported in the literature in individuals with a KCNE1-related disease. In summary, this variant is a rare missense change that is not predicted to affect protein function. There is no indication that it causes disease, but the available evidence is currently insufficient to prove that conclusively. Therefore, it has been classified as a Variant of Uncertain Significance. Algorithms developed to predict the effect of missense changes on protein structure and function (SIFT, PolyPhen-2, Align-GVGD) all suggest that this variant is likely to be tolerated, but these predictions have not been confirmed by published functional studies. This sequence change replaces lysine with asparagine at codon 41 of the KCNE1 protein (p.Lys41Asn). The lysine residue is moderately conserved and there is a moderate physicochemical difference between lysine and asparagine.

Roden Lab, Vanderbilt University Medical Center
No classification provided (evidence only). Condition: Long QT syndrome 5. Review status: no classification provided. Collection method: in vitro. Allele origin: not applicable. Functional consequence: Effect on ion channel function. Not counted in ClinVar's aggregate classification.
ClinVar note: "not provided" was previously submitted as the classification for the variant. However, the classification appeared to be based only on an observation of functional data so it was converted to no classification on 2025-07-30.